The following is an entry in ClinVar:

NM_001370466.1(NOD2):c.718G>A (p.Gly240Arg)

Gene: NOD2 (nucleotide binding oligomerization domain containing 2; plus strand). Cytogenetic location: 16q12.1.
Variant type: single nucleotide variant.
Coding change: c.718G>A on transcript NM_001370466.1 (MANE Select); coding-DNA position 718, G replaced by A.
Protein change: p.Gly240Arg; replaces glycine 240 with arginine.
Molecular consequence: missense variant. On other transcripts: non-coding transcript variant (1).
Genome position (GRCh38, 1-based): chr16:50,710,710, G>A. VCF-style: chr16-50710710-G-A. GRCh37 (hg19) VCF-style: chr16-50744621-G-A.
Other names: c.718G>A, p.Gly240Arg (NM_001293557.2); c.799G>A, p.Gly267Arg (NM_022162.3); short protein forms G240R, G267R.
Identifiers: ClinVar variation 4789795 (VCV004789795.1).

ClinVar aggregate classification (germline): Uncertain significance (1 of 4 stars; one submission).

Conditions:
Regional enteritis. Also called: Enteritis, Granulomatous. Identifiers: MedGen C0678202, MeSH D003424.
Blau syndrome (BLAUS). Also called: ARTHROCUTANEOUVEAL GRANULOMATOSIS; GRANULOMATOSIS, FAMILIAL JUVENILE SYSTEMIC; GRANULOMATOSIS, FAMILIAL, BLAU TYPE; GRANULOMATOUS INFLAMMATORY ARTHRITIS, DERMATITIS, AND UVEITIS, FAMILIAL; JABS SYNDROME. Identifiers: Orphanet 90340, MedGen C5201146, MONDO:0008523, OMIM 186580.

Submission:

Labcorp Genetics (formerly Invitae), Labcorp
Classification: Uncertain significance for Regional enteritis; Blau syndrome. Last evaluated: 2025-10-14. Review status: criteria provided, single submitter. Criteria: Invitae Variant Classification Sherloc (09022015). Collection method: clinical testing. Allele origin: germline.
Comment: This sequence change replaces glycine, which is neutral and non-polar, with arginine, which is basic and polar, at codon 267 of the NOD2 protein (p.Gly267Arg). This variant is present in population databases (rs780005934, gnomAD 0.003%). This variant has not been reported in the literature in individuals affected with NOD2-related conditions. Invitae Evidence Modeling of protein sequence and biophysical properties (such as structural, functional, and spatial information, amino acid conservation, physicochemical variation, residue mobility, and thermodynamic stability) has been performed for this missense variant. However, the output from this modeling did not meet the statistical confidence thresholds required to predict the impact of this variant on NOD2 protein function. In summary, the available evidence is currently insufficient to determine the role of this variant in disease. Therefore, it has been classified as a Variant of Uncertain Significance.